The following is an entry in ClinVar:

ClinVar aggregate classification (germline): Uncertain significance (1 of 4 stars; one submission).

gnomAD v4.1: 1 of 1,614,062 alleles (0.000062%); highest among the groups gnomAD compares: African/African-American, 0.0013%; no homozygotes.

Submission:

GeneDx
Classification: Uncertain significance. Last evaluated: 2024-06-13. Review status: criteria provided, single submitter. Criteria: GeneDx Variant Classification Process June 2021. Collection method: clinical testing. Allele origin: germline. Affected: yes.
Comment: Not observed at significant frequency in large population cohorts (gnomAD); In silico analysis indicates that this missense variant does not alter protein structure/function; Has not been previously published as pathogenic or benign to our knowledge

NM_001127178.3(PIGG):c.1882T>A (p.Cys628Ser)

Gene: PIGG (phosphatidylinositol glycan anchor biosynthesis class G (EMM blood group); plus strand). Cytogenetic location: 4p16.3.
Variant type: single nucleotide variant.
Coding change: c.1882T>A on transcript NM_001127178.3 (MANE Select); coding-DNA position 1882, T replaced by A.
Protein change: p.Cys628Ser; replaces cysteine 628 with serine.
Molecular consequence: missense variant. On other transcripts: non-coding transcript variant (6).
Genome position (GRCh38, 1-based): chr4:523,726, T>A. VCF-style: chr4-523726-T-A. GRCh37 (hg19) VCF-style: chr4-517515-T-A.
Other names: c.1615T>A, p.Cys539Ser (NM_001289051.2, NM_001345986.2); c.1483T>A, p.Cys495Ser (NM_001289052.2); c.1591T>A, p.Cys531Ser (NM_001345987.2); c.853T>A, p.Cys285Ser (NM_001345988.2); c.349T>A, p.Cys117Ser (NM_001345990.2, NM_001345991.2); c.784T>A, p.Cys262Ser (NM_001345994.2); c.1858T>A, p.Cys620Ser (NM_017733.5); short protein forms C117S, C262S, C285S, C495S, C531S, C539S, C620S, C628S.
Identifiers: ClinVar variation 3390772 (VCV003390772.1).